The following is an entry in ClinVar:

NM_001382430.1(AKT1):c.684G>C (p.Glu228Asp)

Gene: AKT1 (AKT serine/threonine kinase 1; minus strand). Cytogenetic location: 14q32.33.
Variant type: single nucleotide variant.
Coding change: c.684G>C on transcript NM_001382430.1 (MANE Select); coding-DNA position 684, G replaced by C.
Protein change: p.Glu228Asp; replaces glutamic acid 228 with aspartic acid.
Molecular consequence: missense variant.
Genome position (GRCh38, 1-based): chr14:104,773,930, C>G on the plus strand (G>C on the coding strand, the complement: AKT1 is on the minus strand). VCF-style: chr14-104773930-C-G. GRCh37 (hg19) VCF-style: chr14-105240267-C-G.
Other names: c.684G>C, p.Glu228Asp (NM_001014431.2, NM_001014432.2, NM_001382431.1 and 3 more transcripts); short protein forms E228D.
Identifiers: ClinVar variation 1755786 (VCV001755786.2), dbSNP rs1276744835, ClinGen allele CA391218774.
Genomic context (GRCh38, chr14:104,773,930, plus strand): 5'-CCACAGGCCGCGAAGTCCATCCCCCGCAGCCCCAGCCCCTACCTCGCCCCCGTTGGCGTA[C>G]TCCATGACAAAGCAGAGGCGGTCGTGGGTCTGGAAAGAGTACTTCAGGGCCTGCAAGGAA-3'
Protein context (NP_001369359.1, residues 218-238): QTHDRLCFVM[Glu228Asp]YANGGELFFH

ClinVar aggregate classification (germline): Uncertain significance (1 of 4 stars; one submission).

Conditions:
Inborn genetic diseases. Identifiers: MedGen C0950123, MeSH D030342.

gnomAD v4.1: 3 of 1,612,548 alleles (0.00019%); no homozygotes.

Submission:

Ambry Genetics
Classification: Uncertain significance for Inborn genetic diseases. Last evaluated: 2022-05-24. Review status: criteria provided, single submitter. Criteria: Ambry Variant Classification Scheme 2023. Collection method: clinical testing. Allele origin: germline.
Comment: The p.E228D variant (also known as c.684G>C), located in coding exon 7 of the AKT1 gene, results from a G to C substitution at nucleotide position 684. The glutamic acid at codon 228 is replaced by aspartic acid, an amino acid with highly similar properties. This amino acid position is conserved. In addition, the in silico prediction for this alteration is inconclusive. Since supporting evidence is limited at this time, the clinical significance of this alteration remains unclear.